The following is an entry in ClinVar:

NM_003922.4(HERC1):c.4177C>T (p.Arg1393Cys)

Gene: HERC1 (HECT and RLD domain containing E3 ubiquitin protein ligase family member 1; minus strand). Cytogenetic location: 15q22.31.
Variant type: single nucleotide variant.
Coding change: c.4177C>T on transcript NM_003922.4 (MANE Select); coding-DNA position 4177, C replaced by T.
Protein change: p.Arg1393Cys; replaces arginine 1393 with cysteine.
Molecular consequence: missense variant.
Genome position (GRCh38, 1-based): chr15:63,713,639, G>A on the plus strand (C>T on the coding strand, the complement: HERC1 is on the minus strand). VCF-style: chr15-63713639-G-A. GRCh37 (hg19) VCF-style: chr15-64005838-G-A.
Other names: short protein forms R1393C.
Identifiers: ClinVar variation 1973748 (VCV001973748.5), dbSNP rs760903018, ClinGen allele CA7605854.

ClinVar aggregate classification (germline): Uncertain significance (1 of 4 stars; one submission).

Allele frequency attached by ClinVar (database versions not stated): TOPMed 0.00001; ExAC 0.00002; gnomAD 0.00002.
gnomAD v4.1: 83 of 1,611,252 alleles (0.0052%); highest among the groups gnomAD compares: Non-Finnish European, 0.0066%; no homozygotes.

Submission:

Labcorp Genetics (formerly Invitae), Labcorp
Classification: Uncertain significance. Last evaluated: 2022-05-15. Review status: criteria provided, single submitter. Criteria: Invitae Variant Classification Sherloc (09022015). Collection method: clinical testing. Allele origin: germline.
Comment: This sequence change replaces arginine, which is basic and polar, with cysteine, which is neutral and slightly polar, at codon 1393 of the HERC1 protein (p.Arg1393Cys). This variant is present in population databases (rs760903018, gnomAD 0.006%). This variant has not been reported in the literature in individuals affected with HERC1-related conditions. Algorithms developed to predict the effect of missense changes on protein structure and function (SIFT, PolyPhen-2, Align-GVGD) all suggest that this variant is likely to be disruptive. In summary, the available evidence is currently insufficient to determine the role of this variant in disease. Therefore, it has been classified as a Variant of Uncertain Significance.